The following is an entry in ClinVar:

ClinVar aggregate classification (germline): Benign (1 of 4 stars; one submission).

Conditions:
Nail-patella syndrome (NPS). Also called: FONG DISEASE; ONYCHOOSTEODYSPLASIA; TURNER-KIESER SYNDROME. Identifiers: Orphanet 2614, MedGen C0027341, MONDO:0008061, OMIM 161200.

Allele frequency attached by ClinVar (database versions not stated): 1000 Genomes Project 0.00180; 1000 Genomes Project 30x 0.00187; TOPMed 0.00359; gnomAD 0.00455 and 0.00469.

Submission:

Illumina Laboratory Services, Illumina
Classification: Benign for Nail-patella syndrome. Last evaluated: 2018-01-13. Review status: criteria provided, single submitter. Criteria: ICSL Variant Classification Criteria 13 December 2019. Collection method: clinical testing. Allele origin: germline.
Comment: This variant was observed in the ICSL laboratory as part of a predisposition screen in an ostensibly healthy population. It had not been previously curated by ICSL or reported in the Human Gene Mutation Database (HGMD: prior to June 1st, 2018), and was therefore a candidate for classification through an automated scoring system. Utilizing variant allele frequency, disease prevalence and penetrance estimates, and inheritance mode, an automated score was calculated to assess if this variant is too frequent to cause the disease. Based on the score and internal cut-off values, a variant classified as benign is not then subjected to further curation. The score for this variant resulted in a classification of benign for this disease.

NM_001174147.2(LMX1B):c.*4288G>A

Gene: LMX1B (LIM homeobox transcription factor 1 beta; plus strand). Cytogenetic location: 9q33.3.
Variant type: single nucleotide variant.
Coding change: c.*4288G>A on transcript NM_001174147.2 (MANE Select); 4288 bases downstream of the stop codon, G replaced by A.
Molecular consequence: 3 prime UTR variant.
Genome position (GRCh38, 1-based): chr9:126,700,739, G>A. VCF-style: chr9-126700739-G-A. GRCh37 (hg19) VCF-style: chr9-129463018-G-A.
Other names: c.*4288G>A (NM_001174146.2, NM_002316.4).
Identifiers: ClinVar variation 364994 (VCV000364994.5), dbSNP rs150407176, ClinGen allele CA10632344.